The following is an entry in ClinVar:

NM_000780.4(CYP7A1):c.1469C>G (p.Pro490Arg)

Gene: CYP7A1 (cytochrome P450 family 7 subfamily A member 1; minus strand). Cytogenetic location: 8q12.1.
Variant type: single nucleotide variant.
Coding change: c.1469C>G on transcript NM_000780.4 (MANE Select); coding-DNA position 1469, C replaced by G.
Protein change: p.Pro490Arg; replaces proline 490 with arginine.
Molecular consequence: missense variant.
Genome position (GRCh38, 1-based): chr8:58,491,521, G>C on the plus strand (C>G on the coding strand, the complement: CYP7A1 is on the minus strand). VCF-style: chr8-58491521-G-C. GRCh37 (hg19) VCF-style: chr8-59404080-G-C.
Other names: short protein forms P490R.
Identifiers: ClinVar variation 3079766 (VCV003079766.2), dbSNP rs148977608, ClinGen allele CA4756536.

ClinVar aggregate classification (germline): Uncertain significance. Review status: criteria provided, multiple submitters, no conflicts (2 of 4 stars). 2 submissions from 2 submitters: Uncertain significance (2). Last evaluated 2025-10-12.

Allele frequency attached by ClinVar (database versions not stated): TOPMed 0.00006; ESP Exome Variant Server 0.00008.
gnomAD v4.1: 9 of 1,613,878 alleles (0.00056%); highest among the groups gnomAD compares: African/African-American, 0.0093%; no homozygotes.

Submissions (2):

Labcorp Genetics (formerly Invitae), Labcorp
Classification: Uncertain significance. Last evaluated: 2025-10-12. Review status: criteria provided, single submitter. Criteria: Invitae Variant Classification Sherloc (09022015). Collection method: clinical testing. Allele origin: germline.
Comment: This sequence change replaces proline, which is neutral and non-polar, with arginine, which is basic and polar, at codon 490 of the CYP7A1 protein (p.Pro490Arg). This variant is present in population databases (rs148977608, gnomAD 0.007%). This variant has not been reported in the literature in individuals affected with CYP7A1-related conditions. ClinVar contains an entry for this variant (Variation ID: 3079766). Invitae Evidence Modeling of protein sequence and biophysical properties (such as structural, functional, and spatial information, amino acid conservation, physicochemical variation, residue mobility, and thermodynamic stability) indicates that this missense variant is not expected to disrupt CYP7A1 protein function with a negative predictive value of 80%. In summary, the available evidence is currently insufficient to determine the role of this variant in disease. Therefore, it has been classified as a Variant of Uncertain Significance.

Ambry Genetics
Classification: Uncertain significance. Last evaluated: 2023-11-22. Review status: criteria provided, single submitter. Criteria: Ambry Variant Classification Scheme 2023. Collection method: clinical testing. Allele origin: germline.